The following is an entry in ClinVar:

NM_003718.5(CDK13):c.2412A>G (p.Ser804=)

Gene: CDK13 (cyclin dependent kinase 13; plus strand). Cytogenetic location: 7p14.1.
Variant type: single nucleotide variant.
Coding change: c.2412A>G on transcript NM_003718.5 (MANE Select); coding-DNA position 2412, A replaced by G.
Protein change: p.Ser804=; no amino-acid change (serine 804 retained).
Molecular consequence: synonymous variant.
Genome position (GRCh38, 1-based): chr7:40,045,894, A>G. VCF-style: chr7-40045894-A-G. GRCh37 (hg19) VCF-style: chr7-40085493-A-G.
Other names: c.2412A>G, p.Ser804= (NM_031267.4).
Identifiers: ClinVar variation 2918095 (VCV002918095.23), dbSNP rs768027976, ClinGen allele CA4228706.

ClinVar aggregate classification (germline): Benign/Likely benign. Review status: criteria provided, multiple submitters, no conflicts (2 of 4 stars). 2 submissions from 2 submitters: Benign (1); Likely benign (1). Last evaluated 2024-10-24.

Allele frequency attached by ClinVar (database versions not stated): TOPMed 0.00002; gnomAD exomes 0.00008; gnomAD 0.00009; ExAC 0.00021.
gnomAD v4.1: 137 of 1,613,028 alleles (0.0085%); highest among the groups gnomAD compares: South Asian, 0.11%; 1 homozygote.

Submissions (2):

Labcorp Genetics (formerly Invitae), Labcorp
Classification: Benign. Last evaluated: 2024-10-24. Review status: criteria provided, single submitter. Criteria: Invitae Variant Classification Sherloc (09022015). Collection method: clinical testing. Allele origin: germline.

CeGaT Center for Human Genetics Tuebingen
Classification: Likely benign. Last evaluated: 2024-04-01. Review status: criteria provided, single submitter. Criteria: CeGaT Center For Human Genetics Tuebingen Variant Classification Criteria Version 2. Collection method: clinical testing. Allele origin: germline. Affected: yes. Observed: 1 variant allele.
Comment: CDK13: BP4, BP7, BS1